The following is an entry in ClinVar:

NM_000545.8(HNF1A):c.-197C>T

Gene: HNF1A (HNF1 homeobox A; plus strand). Cytogenetic location: 12q24.31.
Variant type: single nucleotide variant.
Coding change: c.-197C>T on transcript NM_000545.8 (MANE Select); 197 bases upstream of the start codon, C replaced by T.
Molecular consequence: 5 prime UTR variant.
Genome position (GRCh38, 1-based): chr12:120,978,572, C>T. VCF-style: chr12-120978572-C-T. GRCh37 (hg19) VCF-style: chr12-121416375-C-T.
Other names: NM_001306179.2:c.-197C>T; c.-197C>T (NM_001306179.2, NM_001406915.1).
Identifiers: ClinVar variation 3767144 (VCV003767144.1).

ClinVar aggregate classification (germline): Uncertain significance (3 of 4 stars; one submission).

Conditions:
Monogenic diabetes. Identifiers: Orphanet 183625, MedGen C3888631, MONDO:0015967.

Submission:

ClinGen Monogenic Diabetes Variant Curation Expert Panel
Classification: Uncertain significance for Monogenic diabetes. Last evaluated: 2025-02-28. Review status: reviewed by expert panel. Criteria: ClinGen Diabetes ACMG Specifications HNF1A V2.1.0. Collection method: curation. Allele origin: germline. Inheritance: Autosomal dominant inheritance.
Comment: The c.-197C>T variant in the HNF1 homeobox A gene, HNF1A, is a single nucleotide variant within the 5' UTR of NM_000545.8. This variant is absent from gnomAD v2.1.1 and v4.1 (PM2_Supporting). This variant was identified in two unrelated individuals with non-autoimmune and non-absolute/near-absolute insulin-deficient diabetes; however, PS4_Moderate cannot be applied because this number is below the ClinGen MDEP threshold (internal lab contributors). Additionally, PP4 cannot be applied as the calculated MODY probability is <50% (internal lab contributors). In summary, c.-197C>T meets the criteria to be classified as a variant of uncertain significance for monogenic diabetes. ACMG/AMP criteria applied, as specified by the ClinGen MDEP (specification version 2.1.0, approved 08/11/2023): PM2_Supporting.